The following is an entry in ClinVar:

NM_002609.4(PDGFRB):c.1636A>G (p.Ile546Val)

Gene: PDGFRB (platelet derived growth factor receptor beta; minus strand). Cytogenetic location: 5q32.
Variant type: single nucleotide variant.
Coding change: c.1636A>G on transcript NM_002609.4 (MANE Select); coding-DNA position 1636, A replaced by G.
Protein change: p.Ile546Val; replaces isoleucine 546 with valine.
Molecular consequence: missense variant.
Genome position (GRCh38, 1-based): chr5:150,126,558, T>C on the plus strand (A>G on the coding strand, the complement: PDGFRB is on the minus strand). VCF-style: chr5-150126558-T-C. GRCh37 (hg19) VCF-style: chr5-149506121-T-C.
Other names: c.1444A>G, p.Ile482Val (NM_001355016.2); c.1153A>G, p.Ile385Val (NM_001355017.2); short protein forms I385V, I482V, I546V.
Identifiers: ClinVar variation 3237452 (VCV003237452.3), dbSNP rs373049018.

ClinVar aggregate classification (germline): Conflicting classifications of pathogenicity. Review status: criteria provided, conflicting classifications (1 of 4 stars). 2 submissions from 2 submitters: Uncertain significance (1); Likely benign (1). Last evaluated 2025-03-18.

Conditions:
Skeletal overgrowth-craniofacial dysmorphism-hyperelastic skin-white matter lesions syndrome. Also called: SKELETAL OVERGROWTH WITH FACIAL DYSMORPHISM, HYPERELASTIC SKIN, WHITE MATTER LESIONS, AND NEUROLOGIC DETERIORATION; Kosaki overgrowth syndrome. Identifiers: Orphanet 477831, MedGen C4225270, MONDO:0014704, OMIM 616592.
Infantile myofibromatosis (IMF). Also called: Congenital generalized fibromatosis. Identifiers: Orphanet 2591, MedGen C0432284, MONDO:0016824.
Basal ganglia calcification, idiopathic, 4 (PFBC4). Also called: Familial Idiopathic Basal Ganglia Calcification 4; PRIMARY FAMILIAL BRAIN CALCIFICATION 4, AUTOSOMAL DOMINANT. Identifiers: Orphanet 1980, MedGen C3554321, MONDO:0014004, OMIM 615007.
Acroosteolysis-keloid-like lesions-premature aging syndrome. Also called: Premature aging syndrome, Penttinen type; Prematurely aged appearance, delayed bone maturation, acro-osteolysis, and brachydactyly; Progeroid syndrome, Penttinen type. Identifiers: Orphanet 363665, MedGen C1866182, MONDO:0011150, OMIM 601812.

Allele frequency attached by ClinVar (database versions not stated): 1000 Genomes Project 30x 0.00016; 1000 Genomes Project 0.00020; ExAC 0.00007; ESP Exome Variant Server 0.00023; gnomAD exomes 0.00001; gnomAD 0.00018; TOPMed 0.00020.
gnomAD v4.1: 51 of 1,610,294 alleles (0.0032%); highest among the groups gnomAD compares: African/African-American, 0.056%; no homozygotes.

Submissions (2):

Labcorp Genetics (formerly Invitae), Labcorp
Classification: Likely benign for Basal ganglia calcification, idiopathic, 4; Skeletal overgrowth-craniofacial dysmorphism-hyperelastic skin-white matter lesions syndrome; Infantile myofibromatosis; Acroosteolysis-keloid-like lesions-premature aging syndrome. Last evaluated: 2025-03-18. Review status: criteria provided, single submitter. Criteria: Invitae Variant Classification Sherloc (09022015). Collection method: clinical testing. Allele origin: germline.

Clinical Genomics Laboratory, Washington University in St. Louis
Classification: Uncertain significance for Skeletal overgrowth-craniofacial dysmorphism-hyperelastic skin-white matter lesions syndrome. Last evaluated: 2024-02-04. Review status: criteria provided, single submitter. Criteria: ACMG Guidelines, 2015. Collection method: clinical testing. Allele origin: germline.
Comment: The PDGFRB c.1636A>G (p.Ile546Val) variant was identified at a near heterozygous allele fraction of 47%, a frequency which may be consistent with it being of germline origin. This variant, to our knowledge, has not been reported in the medical literature. This variant is observed on 51/1,610,294 alleles in the general population (gnomAD v4.0.0). Computational predictors suggest that this does not impact PDGFRB function. Due to limited information, and based on ACMG/AMP guidelines for variant interpretation (Richards S et al., PMID: 25741868), the clinical significance of the PDGFRB c.1636A>G (p.Ile546Val) variant is uncertain at this time.